The following is an entry in ClinVar:

NM_001199753.2(CPT1C):c.524C>T (p.Pro175Leu)

Gene: CPT1C (carnitine palmitoyltransferase 1C; plus strand). Cytogenetic location: 19q13.33.
Variant type: single nucleotide variant.
Coding change: c.524C>T on transcript NM_001199753.2 (MANE Select); coding-DNA position 524, C replaced by T.
Protein change: p.Pro175Leu; replaces proline 175 with leucine.
Molecular consequence: missense variant. On other transcripts: non-coding transcript variant (1).
Genome position (GRCh38, 1-based): chr19:49,701,387, C>T. VCF-style: chr19-49701387-C-T. GRCh37 (hg19) VCF-style: chr19-50204644-C-T.
Other names: c.524C>T, p.Pro175Leu (NM_001136052.3, NM_001199752.3, NM_001378482.1 and 7 more transcripts); short protein forms P175L.
Identifiers: ClinVar variation 3653254 (VCV003653254.2).

ClinVar aggregate classification (germline): Uncertain significance (1 of 4 stars; one submission).

Conditions:
Hereditary spastic paraplegia 73. Also called: Spastic paraplegia 73, autosomal dominant. Identifiers: Orphanet 444099, MedGen C5568981, MONDO:0014568, OMIM 616282.

gnomAD v4.1: 2 of 1,613,622 alleles (0.00012%); highest among the groups gnomAD compares: South Asian, 0.0011%; no homozygotes.

Submission:

Labcorp Genetics (formerly Invitae), Labcorp
Classification: Uncertain significance for Hereditary spastic paraplegia 73. Last evaluated: 2024-05-13. Review status: criteria provided, single submitter. Criteria: Invitae Variant Classification Sherloc (09022015). Collection method: clinical testing. Allele origin: germline.
Comment: This sequence change replaces proline, which is neutral and non-polar, with leucine, which is neutral and non-polar, at codon 175 of the CPT1C protein (p.Pro175Leu). The frequency data for this variant in the population databases is considered unreliable, as metrics indicate poor data quality at this position in the gnomAD database. This variant has not been reported in the literature in individuals affected with CPT1C-related conditions. Advanced modeling of protein sequence and biophysical properties (such as structural, functional, and spatial information, amino acid conservation, physicochemical variation, residue mobility, and thermodynamic stability) performed at Invitae indicates that this missense variant is expected to disrupt CPT1C protein function with a positive predictive value of 80%. In summary, the available evidence is currently insufficient to determine the role of this variant in disease. Therefore, it has been classified as a Variant of Uncertain Significance.